The following is an entry in ClinVar:

ClinVar aggregate classification (germline): Uncertain significance (1 of 4 stars; one submission).

Conditions:
Hereditary cancer-predisposing syndrome. Also called: Neoplastic Syndromes, Hereditary; Tumor predisposition; Hereditary Cancer Syndrome; Hereditary neoplastic syndrome. Identifiers: Orphanet 140162, MedGen C0027672, MeSH D009386, MONDO:0015356.

gnomAD v4.1: 2 of 1,610,010 alleles (0.00012%); highest among the groups gnomAD compares: East Asian, 0.0022%; no homozygotes.

Submission:

Ambry Genetics
Classification: Uncertain significance for Hereditary cancer-predisposing syndrome. Last evaluated: 2025-10-24. Review status: criteria provided, single submitter. Criteria: Ambry Variant Classification Scheme 2023. Collection method: clinical testing. Allele origin: germline.
Comment: The p.D286E variant (also known as c.858C>G), located in coding exon 5 of the CTNNA1 gene, results from a C to G substitution at nucleotide position 858. The aspartic acid at codon 286 is replaced by glutamic acid, an amino acid with highly similar properties. This amino acid position is highly conserved in available vertebrate species. In addition, the in silico prediction for this alteration is inconclusive. Based on the available evidence, the clinical significance of this variant remains unclear.

NM_001903.5(CTNNA1):c.858C>G (p.Asp286Glu)

Gene: CTNNA1 (catenin alpha 1; plus strand). Cytogenetic location: 5q31.2.
Variant type: single nucleotide variant.
Coding change: c.858C>G on transcript NM_001903.5 (MANE Select); coding-DNA position 858, C replaced by G.
Protein change: p.Asp286Glu; replaces aspartic acid 286 with glutamic acid.
Molecular consequence: missense variant.
Genome position (GRCh38, 1-based): chr5:138,824,799, C>G. VCF-style: chr5-138824799-C-G. GRCh37 (hg19) VCF-style: chr5-138160488-C-G.
Other names: c.549C>G, p.Asp183Glu (NM_001290309.3); c.489C>G, p.Asp163Glu (NM_001290310.3); c.858C>G, p.Asp286Glu (NM_001323982.2, NM_001290307.3, NM_001323983.1 and 3 more transcripts); short protein forms D163E, D286E, D183E.
Identifiers: ClinVar variation 4635440 (VCV004635440.1).
Genomic context (GRCh38, chr5:138,824,799, plus strand): 5'-TGCCTCACAGCACCAGGGTGGAGGAGGAGGAGAACTGGCATATGCACTCAATAACTTTGA[C>G]GTAAGTTATGCTTGGGTGGAAATTTCCAGCTCTTGACCATCCCCCAAAAGATAACAGATT-3'
Protein context (NP_001894.2, residues 276-296): GELAYALNNF[Asp286Glu]KQIIVDPLSF